The following is an entry in ClinVar:

ClinVar aggregate classification (germline): Uncertain significance. Review status: criteria provided, multiple submitters, no conflicts (2 of 4 stars). 2 submissions from 2 submitters: Uncertain significance (2). Last evaluated 2025-09-30.

Conditions:
Hereditary cancer-predisposing syndrome. Also called: Hereditary neoplastic syndrome; Tumor predisposition; Hereditary Cancer Syndrome; Neoplastic Syndromes, Hereditary. Identifiers: Orphanet 140162, MedGen C0027672, MeSH D009386, MONDO:0015356.

Submissions (2):

Labcorp Genetics (formerly Invitae), Labcorp
Classification: Uncertain significance. Last evaluated: 2025-09-30. Review status: criteria provided, single submitter. Criteria: Invitae Variant Classification Sherloc (09022015). Collection method: clinical testing. Allele origin: germline.
Comment: This sequence change replaces asparagine, which is neutral and polar, with threonine, which is neutral and polar, at codon 1971 of the POLE protein (p.Asn1971Thr). This variant is not present in population databases (gnomAD no frequency). This variant has not been reported in the literature in individuals affected with POLE-related conditions. ClinVar contains an entry for this variant (Variation ID: 2129091). Invitae Evidence Modeling of protein sequence and biophysical properties (such as structural, functional, and spatial information, amino acid conservation, physicochemical variation, residue mobility, and thermodynamic stability) indicates that this missense variant is not expected to disrupt POLE protein function with a negative predictive value of 80%. In summary, the available evidence is currently insufficient to determine the role of this variant in disease. Therefore, it has been classified as a Variant of Uncertain Significance.

Ambry Genetics
Classification: Uncertain significance for Hereditary cancer-predisposing syndrome. Last evaluated: 2023-02-06. Review status: criteria provided, single submitter. Criteria: Ambry Variant Classification Scheme 2023. Collection method: clinical testing. Allele origin: germline.
Comment: The p.N1971T variant (also known as c.5912A>C), located in coding exon 43 of the POLE gene, results from an A to C substitution at nucleotide position 5912. The asparagine at codon 1971 is replaced by threonine, an amino acid with similar properties. This amino acid position is conserved. In addition, this alteration is predicted to be tolerated by in silico analysis. Since supporting evidence is limited at this time, the clinical significance of this alteration remains unclear.

NM_006231.4(POLE):c.5912A>C (p.Asn1971Thr)

Gene: POLE (DNA polymerase epsilon, catalytic subunit; minus strand). Cytogenetic location: 12q24.33.
Variant type: single nucleotide variant.
Coding change: c.5912A>C on transcript NM_006231.4 (MANE Select); coding-DNA position 5912, A replaced by C.
Protein change: p.Asn1971Thr; replaces asparagine 1971 with threonine.
Molecular consequence: missense variant.
Genome position (GRCh38, 1-based): chr12:132,634,278, T>G on the plus strand (A>C on the coding strand, the complement: POLE is on the minus strand). VCF-style: chr12-132634278-T-G. GRCh37 (hg19) VCF-style: chr12-133210864-T-G.
Other names: c.5912A>C (NM_006231.2); short protein forms N1971T.
Identifiers: ClinVar variation 2129091 (VCV002129091.6), dbSNP rs772127913, ClinGen allele CA387371609.